The following is an entry in ClinVar:

NM_004333.6(BRAF):c.373T>C (p.Ser125Pro)

Gene: BRAF (B-Raf proto-oncogene, serine/threonine kinase; minus strand). Cytogenetic location: 7q34.
Variant type: single nucleotide variant.
Coding change: c.373T>C on transcript NM_004333.6 (MANE Select); coding-DNA position 373, T replaced by C.
Protein change: p.Ser125Pro; replaces serine 125 with proline.
Molecular consequence: missense variant. On other transcripts: intron variant (1).
Genome position (GRCh38, 1-based): chr7:140,834,740, A>G on the plus strand (T>C on the coding strand, the complement: BRAF is on the minus strand). VCF-style: chr7-140834740-A-G. GRCh37 (hg19) VCF-style: chr7-140534540-A-G.
Other names: c.373T>C, p.Ser125Pro (NM_001354609.2, NM_001374244.1, NM_001374258.1 and 5 more transcripts); c.271T>C, p.Ser91Pro (NM_001378470.1); c.217T>C, p.Ser73Pro (NM_001378472.1, NM_001378473.1); c.240+15371T>C (NM_001378475.1); short protein forms S73P, S125P, S91P.
Identifiers: ClinVar variation 3481747 (VCV003481747.2).

ClinVar aggregate classification (germline): Uncertain significance. Review status: criteria provided, multiple submitters, no conflicts (2 of 4 stars). 2 submissions from 2 submitters: Uncertain significance (2). Last evaluated 2025-05-29.

Conditions:
Cardiovascular phenotype. Identifiers: MedGen CN230736.
RASopathy. Also called: rasopathies; Noonan spectrum disorder. Identifiers: Orphanet 536391, MedGen C5555857, MONDO:0021060.

gnomAD v4.1: 1 of 1,614,088 alleles (0.000062%); highest among the groups gnomAD compares: African/African-American, 0.0013%; no homozygotes.

Submissions (2):

Labcorp Genetics (formerly Invitae), Labcorp
Classification: Uncertain significance for RASopathy. Last evaluated: 2025-05-29. Review status: criteria provided, single submitter. Criteria: Invitae Variant Classification Sherloc (09022015). Collection method: clinical testing. Allele origin: germline.
Comment: This sequence change replaces serine, which is neutral and polar, with proline, which is neutral and non-polar, at codon 125 of the BRAF protein (p.Ser125Pro). This variant is present in population databases (no rsID available, gnomAD 0.01%). This variant has not been reported in the literature in individuals affected with BRAF-related conditions. ClinVar contains an entry for this variant (Variation ID: 3481747). Invitae Evidence Modeling of protein sequence and biophysical properties (such as structural, functional, and spatial information, amino acid conservation, physicochemical variation, residue mobility, and thermodynamic stability) indicates that this missense variant is not expected to disrupt BRAF protein function with a negative predictive value of 95%. In summary, the available evidence is currently insufficient to determine the role of this variant in disease. Therefore, it has been classified as a Variant of Uncertain Significance.

Ambry Genetics
Classification: Uncertain significance for Cardiovascular phenotype. Last evaluated: 2024-10-12. Review status: criteria provided, single submitter. Criteria: Ambry Variant Classification Scheme 2023. Collection method: clinical testing. Allele origin: germline.